The following is an entry in ClinVar:

ClinVar aggregate classification (germline): Uncertain significance (1 of 4 stars; one submission).

Conditions:
Mucopolysaccharidosis, MPS-III-A (MPS3A). Also called: MUCOPOLYSACCHARIDOSIS, TYPE IIIA, ATTENUATED; Mucopolysaccharidosis, type IIIA; mucopolysaccharidosis type 3A; MPS IIIA (Sanfilippo Syndrome Type A); HEPARAN SULFATE SULFATASE DEFICIENCY; SANFILIPPO SYNDROME A. Identifiers: Orphanet 581, Orphanet 79269, MedGen C0086647, MONDO:0009655, OMIM 252900.

Allele frequency attached by ClinVar (database versions not stated): gnomAD 0.00001.
gnomAD v4.1: 1 of 1,601,610 alleles (0.000062%); highest among the groups gnomAD compares: Non-Finnish European, 0.000085%; no homozygotes.

Submission:

Labcorp Genetics (formerly Invitae), Labcorp
Classification: Uncertain significance for Mucopolysaccharidosis, MPS-III-A. Last evaluated: 2025-10-09. Review status: criteria provided, single submitter. Criteria: Invitae Variant Classification Sherloc (09022015). Collection method: clinical testing. Allele origin: germline.
Comment: This sequence change replaces asparagine, which is neutral and polar, with serine, which is neutral and polar, at codon 41 of the SGSH protein (p.Asn41Ser). This variant is not present in population databases (gnomAD no frequency). This variant has not been reported in the literature in individuals affected with SGSH-related conditions. ClinVar contains an entry for this variant (Variation ID: 1346686). Invitae Evidence Modeling of protein sequence and biophysical properties (such as structural, functional, and spatial information, amino acid conservation, physicochemical variation, residue mobility, and thermodynamic stability) has been performed for this missense variant. However, the output from this modeling did not meet the statistical confidence thresholds required to predict the impact of this variant on SGSH protein function. In summary, the available evidence is currently insufficient to determine the role of this variant in disease. Therefore, it has been classified as a Variant of Uncertain Significance.

NM_000199.5(SGSH):c.122A>G (p.Asn41Ser)

Gene: SGSH (N-sulfoglucosamine sulfohydrolase; minus strand). Cytogenetic location: 17q25.3.
Variant type: single nucleotide variant.
Coding change: c.122A>G on transcript NM_000199.5 (MANE Select); coding-DNA position 122, A replaced by G.
Protein change: p.Asn41Ser; replaces asparagine 41 with serine.
Molecular consequence: missense variant. On other transcripts: non-coding transcript variant (1).
Genome position (GRCh38, 1-based): chr17:80,217,159, T>C on the plus strand (A>G on the coding strand, the complement: SGSH is on the minus strand). VCF-style: chr17-80217159-T-C. GRCh37 (hg19) VCF-style: chr17-78190958-T-C.
Other names: c.122A>G, p.Asn41Ser (NM_001352921.3, NM_001352922.2); short protein forms N41S.
Identifiers: ClinVar variation 1346686 (VCV001346686.7), dbSNP rs2041923714, ClinGen allele CA401364615.
Genomic context (GRCh38, chr17:80,217,159, plus strand): 5'-CGAAAGAGGAGGCTGCGGCGGGCCAAGGCGTCCAGGTGCGGGGTGGCGATGGCGCTGTTG[T>C]TGTACGCGCCACTCTCAAAGCCTCCGTCATCCGCTGCGTGAGGTGGGAGACAGAGAGTGC-3'
Protein context (NP_000190.1, residues 31-51): DDGGFESGAY[Asn41Ser]NSAIATPHLD